The following is an entry in ClinVar:

ClinVar aggregate classification (germline): Benign/Likely benign. Review status: criteria provided, multiple submitters, no conflicts (2 of 4 stars). 6 submissions from 6 submitters: Benign (2); Likely benign (3). 1 of the submissions does not count toward it. Last evaluated 2025-08-11.

Conditions:
Congenital sensory neuropathy with selective loss of small myelinated fibers (HSAN5). Also called: HSAN Type V. Identifiers: Orphanet 64752, MedGen C0020075, MONDO:0012092, OMIM 608654.
NGF-related disorder. Also called: NGF-related condition.
Inborn genetic diseases. Identifiers: MedGen C0950123, MeSH D030342.

Allele frequency attached by ClinVar (database versions not stated): gnomAD 0.00003 and 0.00033; TOPMed 0.00004; gnomAD exomes 0.00052 and 0.00113; ExAC 0.00122; 1000 Genomes Project 30x 0.00281; 1000 Genomes Project 0.00319.
gnomAD v4.1: 808 of 1,614,214 alleles (0.05%); highest among the groups gnomAD compares: South Asian, 0.82%; 14 homozygotes.

Submissions (6):

Labcorp Genetics (formerly Invitae), Labcorp
Classification: Benign for Congenital sensory neuropathy with selective loss of small myelinated fibers. Last evaluated: 2025-08-11. Review status: criteria provided, single submitter. Criteria: Invitae Variant Classification Sherloc (09022015). Collection method: clinical testing. Allele origin: germline.

CeGaT Center for Human Genetics Tuebingen
Classification: Likely benign. Last evaluated: 2025-01-01. Review status: criteria provided, single submitter. Criteria: CeGaT Center For Human Genetics Tuebingen Variant Classification Criteria Version 2. Collection method: clinical testing. Allele origin: germline. Affected: yes. Observed: 1 variant allele.
Comment: NGF: BP4, BS2

Genome-Nilou Lab
Classification: Likely benign for Congenital sensory neuropathy with selective loss of small myelinated fibers. Last evaluated: 2023-04-11. Review status: criteria provided, single submitter. Criteria: ACMG Guidelines, 2015. Collection method: clinical testing. Allele origin: germline. Affected: no.

Ambry Genetics
Classification: Likely benign for Inborn genetic diseases. Last evaluated: 2021-02-09. Review status: criteria provided, single submitter. Criteria: Ambry Variant Classification Scheme 2023. Collection method: clinical testing. Allele origin: germline.

Illumina Laboratory Services, Illumina
Classification: Benign for Congenital sensory neuropathy with selective loss of small myelinated fibers. Last evaluated: 2017-04-28. Review status: criteria provided, single submitter. Criteria: ICSL Variant Classification Criteria 13 December 2019. Collection method: clinical testing. Allele origin: germline.
Comment: This variant was observed as part of a predisposition screen in an ostensibly healthy population. A literature search was performed for the gene, cDNA change, and amino acid change (where applicable). No publications were found based on this search. Allele frequency data from public databases was too high to be consistent with this variant causing disease. Therefore, this variant is classified as benign.

PreventionGenetics, part of Exact Sciences
Classification: Benign for NGF-related condition. Last evaluated: 2019-06-19. Review status: no assertion criteria provided. Collection method: clinical testing. Allele origin: germline. Not counted in ClinVar's aggregate classification.
Comment: This variant is classified as benign based on ACMG/AMP sequence variant interpretation guidelines (Richards et al. 2015 PMID: 25741868, with internal and published modifications).

NM_002506.3(NGF):c.173C>T (p.Ala58Val)

Genes: NGF (nerve growth factor; minus strand), NGF-AS1 (NGF antisense RNA 1; plus strand). Cytogenetic location: 1p13.2.
Variant type: single nucleotide variant.
Coding change: c.173C>T on transcript NM_002506.3 (MANE Select); coding-DNA position 173, C replaced by T.
Protein change: p.Ala58Val; replaces alanine 58 with valine.
Molecular consequence: missense variant.
Genome position (GRCh38, 1-based): chr1:115,286,623, G>A on the plus strand (C>T on the coding strand, the complement: NGF is on the minus strand). VCF-style: chr1-115286623-G-A. GRCh37 (hg19) VCF-style: chr1-115829244-G-A.
Other names: short protein forms A58V.
Identifiers: ClinVar variation 456627 (VCV000456627.35), dbSNP rs201861727, ClinGen allele CA1023046.
Genomic context (GRCh38, chr1:115,286,623, plus strand): 5'-TTAAACAGCCTGGGGTCCACAGTAATGTTGCGGGTCTGCCCCGCCACGCGTGCAGCTATC[G>A]CCGCTGCCGGGGCGCTGCGGGCTCTGCGAAGGGCAGTGTCAAGGGAATGCTGAAGTTTAG-3'
Protein context (NP_002497.2, residues 48-68): LRRARSAPAA[Ala58Val]IAARVAGQTR